The following is an entry in ClinVar:

NM_001130823.3(DNMT1):c.121T>C (p.Cys41Arg)

Gene: DNMT1 (DNA methyltransferase 1; minus strand). Cytogenetic location: 19p13.2.
Variant type: single nucleotide variant.
Coding change: c.121T>C on transcript NM_001130823.3 (MANE Select); coding-DNA position 121, T replaced by C.
Protein change: p.Cys41Arg; replaces cysteine 41 with arginine.
Molecular consequence: missense variant. On other transcripts: 5 prime UTR variant (1).
Genome position (GRCh38, 1-based): chr19:10,180,882, A>G on the plus strand (T>C on the coding strand, the complement: DNMT1 is on the minus strand). VCF-style: chr19-10180882-A-G. GRCh37 (hg19) VCF-style: chr19-10291558-A-G.
Other names: c.121T>C, p.Cys41Arg (NM_001318730.2, NM_001379.4); c.-203T>C (NM_001318731.2); short protein forms C41R.
Identifiers: ClinVar variation 2916941 (VCV002916941.3), dbSNP rs1218241317, ClinGen allele CA403947348.

ClinVar aggregate classification (germline): Uncertain significance (1 of 4 stars; one submission).

Conditions:
Hereditary sensory neuropathy-deafness-dementia syndrome. Also called: NEUROPATHY, HEREDITARY SENSORY, WITH HEARING LOSS AND DEMENTIA; Hereditary Sensory and Autonomic Neuropathy Type 1E (HSAN1E); Hereditary sensory neuropathy type IE; HSN IE. Identifiers: Orphanet 456318, MedGen C3279885, MONDO:0013584, OMIM 614116.

Allele frequency attached by ClinVar (database versions not stated): gnomAD exomes below 0.00001.
gnomAD v4.1: 1 of 1,613,898 alleles (0.000062%); highest among the groups gnomAD compares: Non-Finnish European, 0.000085%; no homozygotes.

Submission:

Labcorp Genetics (formerly Invitae), Labcorp
Classification: Uncertain significance for Hereditary sensory neuropathy-deafness-dementia syndrome. Last evaluated: 2023-02-01. Review status: criteria provided, single submitter. Criteria: Invitae Variant Classification Sherloc (09022015). Collection method: clinical testing. Allele origin: germline.
Comment: This sequence change replaces cysteine, which is neutral and slightly polar, with arginine, which is basic and polar, at codon 41 of the DNMT1 protein (p.Cys41Arg). This variant is present in population databases (no rsID available, gnomAD 0.0009%). This variant has not been reported in the literature in individuals affected with DNMT1-related conditions. Advanced modeling of protein sequence and biophysical properties (such as structural, functional, and spatial information, amino acid conservation, physicochemical variation, residue mobility, and thermodynamic stability) performed at Invitae indicates that this missense variant is not expected to disrupt DNMT1 protein function. In summary, the available evidence is currently insufficient to determine the role of this variant in disease. Therefore, it has been classified as a Variant of Uncertain Significance.